The following is an entry in ClinVar:

NM_032444.4(SLX4):c.412A>C (p.Asn138His)

Gene: SLX4 (SLX4 structure-specific endonuclease subunit; minus strand). Cytogenetic location: 16p13.3.
Variant type: single nucleotide variant.
Coding change: c.412A>C on transcript NM_032444.4 (MANE Select); coding-DNA position 412, A replaced by C.
Protein change: p.Asn138His; replaces asparagine 138 with histidine.
Molecular consequence: missense variant.
Genome position (GRCh38, 1-based): chr16:3,608,553, T>G on the plus strand (A>C on the coding strand, the complement: SLX4 is on the minus strand). VCF-style: chr16-3608553-T-G. GRCh37 (hg19) VCF-style: chr16-3658554-T-G.
Other names: short protein forms N138H.
Identifiers: ClinVar variation 4717376 (VCV004717376.1).

ClinVar aggregate classification (germline): Uncertain significance (1 of 4 stars; one submission).

Conditions:
Fanconi anemia (FA). Also called: Fanconi's anemia. Identifiers: Orphanet 84, MedGen C0015625, MeSH D005199, MONDO:0019391.

Submission:

Labcorp Genetics (formerly Invitae), Labcorp
Classification: Uncertain significance for Fanconi anemia. Last evaluated: 2025-04-13. Review status: criteria provided, single submitter. Criteria: Invitae Variant Classification Sherloc (09022015). Collection method: clinical testing. Allele origin: germline.
Comment: This sequence change replaces asparagine, which is neutral and polar, with histidine, which is basic and polar, at codon 138 of the SLX4 protein (p.Asn138His). This variant is not present in population databases (gnomAD no frequency). This variant has not been reported in the literature in individuals affected with SLX4-related conditions. An algorithm developed to predict the effect of missense changes on protein structure and function (PolyPhen-2) suggests that this variant is likely to be disruptive. In summary, the available evidence is currently insufficient to determine the role of this variant in disease. Therefore, it has been classified as a Variant of Uncertain Significance.